The following is an entry in ClinVar:

ClinVar aggregate classification (germline): Uncertain significance (1 of 4 stars; one submission).

Submission:

Labcorp Genetics (formerly Invitae), Labcorp
Classification: Uncertain significance. Last evaluated: 2022-06-24. Review status: criteria provided, single submitter. Criteria: Invitae Variant Classification Sherloc (09022015). Collection method: clinical testing. Allele origin: germline.
Comment: In summary, the available evidence is currently insufficient to determine the role of this variant in disease. Therefore, it has been classified as a Variant of Uncertain Significance. Algorithms developed to predict the effect of missense changes on protein structure and function are either unavailable or do not agree on the potential impact of this missense change (SIFT: "Tolerated"; PolyPhen-2: "Not Available"; Align-GVGD: "Class C0"). This variant has not been reported in the literature in individuals affected with TOPORS-related conditions. This variant is not present in population databases (gnomAD no frequency). This sequence change replaces arginine, which is basic and polar, with glycine, which is neutral and non-polar, at codon 776 of the TOPORS protein (p.Arg776Gly).

NM_005802.5(TOPORS):c.2326A>G (p.Arg776Gly)

Gene: TOPORS (TOP1 binding arginine/serine rich protein, E3 ubiquitin ligase; minus strand). Cytogenetic location: 9p21.1.
Variant type: single nucleotide variant.
Coding change: c.2326A>G on transcript NM_005802.5 (MANE Select); coding-DNA position 2326, A replaced by G.
Protein change: p.Arg776Gly; replaces arginine 776 with glycine.
Molecular consequence: missense variant.
Genome position (GRCh38, 1-based): chr9:32,542,199, T>C on the plus strand (A>G on the coding strand, the complement: TOPORS is on the minus strand). VCF-style: chr9-32542199-T-C. GRCh37 (hg19) VCF-style: chr9-32542197-T-C.
Other names: c.2131A>G, p.Arg711Gly (NM_001195622.2); short protein forms R776G, R711G.
Identifiers: ClinVar variation 2010309 (VCV002010309.4), dbSNP rs2489447322, ClinGen allele CA373164326.